The following is an entry in ClinVar:

ClinVar aggregate classification (germline): Pathogenic/Likely pathogenic. Review status: criteria provided, multiple submitters, no conflicts (2 of 4 stars). 5 submissions from 5 submitters: Pathogenic (3); Likely pathogenic (2). Last evaluated 2026-02-11.

Conditions:
Protoporphyria, erythropoietic, 1 (EPP1). Also called: Erythropoietic Protoporphyria, Autosomal Recessive; FERROCHELATASE DEFICIENCY; HEME SYNTHETASE DEFICIENCY. Identifiers: Orphanet 79278, MedGen C4692546, MONDO:0008319, OMIM 177000.
FECH-related disorder. Also called: FECH-related condition.

Allele frequency attached by ClinVar (database versions not stated): gnomAD exomes 0.00005 and 0.00013; gnomAD 0.00006 and 0.00007; TOPMed 0.00006; ExAC 0.00008; 1000 Genomes Project 30x 0.00016; 1000 Genomes Project 0.00020; ESP Exome Variant Server 0.00031.
gnomAD v4.1: 200 of 1,614,156 alleles (0.012%); highest among the groups gnomAD compares: Non-Finnish European, 0.016%; no homozygotes.

Submissions (5):

PreventionGenetics, part of Exact Sciences
Classification: Pathogenic for FECH-related condition. Last evaluated: 2026-02-11. Review status: criteria provided, single submitter. Criteria: ACMG Guidelines, 2015. Collection method: clinical testing. Allele origin: germline.
Comment: The FECH c.1001C>T variant is predicted to result in the amino acid substitution p.Pro334Leu. This variant was reported in individuals with erythropoietic protoporphyria (Rufenacht et al. 1998. PubMed ID: 9585598; Wiman et al. 2003. PubMed ID: 12601550) and has been shown to segregate with disease in multiple families (Wiman et al. 2003. PubMed ID: 12601550). In vitro functional assays indicate this variants results in reduced FECH activity (Rufenacht et al. 1998. PubMed ID: 9585598). This variant is reported in 0.010% of alleles in individuals of European (Non-Finnish) descent in gnomAD. This variant is interpreted as pathogenic.

First Genomix Gene Laboratory, Genetic Diagnostics Department
Classification: Likely pathogenic for Protoporphyria, erythropoietic, 1. Last evaluated: 2025-03-19. Review status: criteria provided, single submitter. Criteria: ACMG Guidelines, 2015. Collection method: clinical testing. Allele origin: germline. Inheritance: Autosomal recessive inheritance. Affected: no. Observed: 1 variant allele.

Labcorp Genetics (formerly Invitae), Labcorp
Classification: Pathogenic. Last evaluated: 2025-02-11. Review status: criteria provided, single submitter. Criteria: Invitae Variant Classification Sherloc (09022015). Collection method: clinical testing. Allele origin: germline.
Comment: This sequence change replaces proline, which is neutral and non-polar, with leucine, which is neutral and non-polar, at codon 334 of the FECH protein (p.Pro334Leu). This variant is present in population databases (rs150146721, gnomAD 0.01%). This missense change has been observed in individual(s) with erythropoietic protoporphyria (PMID: 9585598, 12601550, 15286165, 17711525, 23364466). In at least one individual the data is consistent with being in trans (on the opposite chromosome) from a pathogenic variant. ClinVar contains an entry for this variant (Variation ID: 375409). Invitae Evidence Modeling of protein sequence and biophysical properties (such as structural, functional, and spatial information, amino acid conservation, physicochemical variation, residue mobility, and thermodynamic stability) indicates that this missense variant is expected to disrupt FECH protein function with a positive predictive value of 95%. Experimental studies have shown that this missense change affects FECH function (PMID: 9585598). For these reasons, this variant has been classified as Pathogenic.

Victorian Clinical Genetics Services, Murdoch Childrens Research Institute
Classification: Pathogenic for Protoporphyria, erythropoietic, 1. Last evaluated: 2023-07-17. Review status: criteria provided, single submitter. Criteria: ACMG Guidelines, 2015. Collection method: clinical testing. Allele origin: germline. Inheritance: Autosomal recessive inheritance.
Comment: Based on the classification scheme VCGS_Germline_v1.3.4, this variant is classified as Pathogenic. Following criteria are met: 0102 - Loss of function is a known mechanism of disease in this gene and is associated with erythropoietic protoporphyria 1 (MIM#177000). (I) 0106 - This gene is associated with autosomal recessive disease. (I) 0200 - Variant is predicted to result in a missense amino acid change from proline to leucine. (I) 0251 - This variant is heterozygous. (I) 0304 - Variant is present in gnomAD (v2) <0.01 for a recessive condition (14 heterozygotes, 0 homozygotes). (SP) 0501 - Missense variant consistently predicted to be damaging by multiple in silico tools or highly conserved with a major amino acid change. (SP) 0600 - Variant is located in the annotated ferrochelatase domain (DECIPHER). (I) 0705 - No comparable missense variants have previous evidence for pathogenicity. (I) 0801 - This variant has strong previous evidence of pathogenicity in unrelated individuals. This variant has been classified as pathogenic or likely pathogenic by clinical laboratories in ClinVar, and had been observed in mulitple individuals with EPP (PMIDs: 20412370, 20105171, 30454868, 12601550, 17711525, 23364466). A second variant, commonly the known hypomorphic allele c.315-48T>C, was seen in many of these individuals but data was not always available to prove the variants were in trans. (SP) 1005 - Clinically accredited laboratory assay specific to gene product shows abnormal protein function. (I) Legend: (SP) - Supporting pathogenic, (I) - Information, (SB) - Supporting benign

Knight Diagnostic Laboratories, Oregon Health and Sciences University
Classification: Likely pathogenic for Protoporphyria, erythropoietic, 1. Last evaluated: 2016-06-28. Review status: criteria provided, single submitter. Criteria: ACMG Guidelines, 2015. Collection method: clinical testing. Allele origin: germline. Affected: no. Study: CSER-NextGen.
Comment: The c.1001C>T (p.Pro334Leu) missense variant in the FECH gene has been previously reported in multiple families affected with Erythropoietic protoporphyria (RÃ¼fenacht et al., 1998; Wiman et al., 2003). This variant been shown to segregate with disease in 3 unrelated families, and has been observed in trans with a known pathogenic variant, IVS3-48T>C (Wiman et al., 2003). Furthermore, an in vitro functional assay demonstrated that this variant resulted in reduced FECH activity (RÃ¼fenacht et al., 1998). This variant is reported at low frequency in the population databases (Exome Sequencing Project = 0.047%; 1000 Genomes = 0.1%; and ExAC = 0.013%). Multiple in silico algorithms predict this variant to have a deleterious effect (GERP = 6.17; CADD = 27.1; PolyPhen = 1.0; SIFT = 0.0). Therefore, this collective evidence supports the classification of the c.1001C>T (p.Pro334Leu) as a Likely pathogenic variant for Erythropoietic protoporphyria. We have confirmed this finding in our laboratory using Sanger sequencing.

Literature cited by the submitters: PubMed 9585598 (cited by Labcorp Genetics (formerly Invitae), Labcorp); PubMed 12601550 (cited by Labcorp Genetics (formerly Invitae), Labcorp and Victorian Clinical Genetics Services, Murdoch Childrens Research Institute); PubMed 15286165 (cited by Labcorp Genetics (formerly Invitae), Labcorp); PubMed 17711525 (cited by Labcorp Genetics (formerly Invitae), Labcorp and Victorian Clinical Genetics Services, Murdoch Childrens Research Institute); PubMed 23364466 (cited by Labcorp Genetics (formerly Invitae), Labcorp and Victorian Clinical Genetics Services, Murdoch Childrens Research Institute); PubMed 20105171 (cited by Victorian Clinical Genetics Services, Murdoch Childrens Research Institute); PubMed 20412370 (cited by Victorian Clinical Genetics Services, Murdoch Childrens Research Institute); PubMed 30454868 (cited by Victorian Clinical Genetics Services, Murdoch Childrens Research Institute).

NM_000140.5(FECH):c.1001C>T (p.Pro334Leu)

Gene: FECH (ferrochelatase; minus strand). Cytogenetic location: 18q21.31.
Variant type: single nucleotide variant.
Coding change: c.1001C>T on transcript NM_000140.5 (MANE Select); coding-DNA position 1001, C replaced by T.
Protein change: p.Pro334Leu; replaces proline 334 with leucine.
Molecular consequence: missense variant.
Genome position (GRCh38, 1-based): chr18:57,554,336, G>A on the plus strand (C>T on the coding strand, the complement: FECH is on the minus strand). VCF-style: chr18-57554336-G-A. GRCh37 (hg19) VCF-style: chr18-55221568-G-A.
Other names: c.1019C>T, p.Pro340Leu (NM_001012515.4); c.902C>T, p.Pro301Leu (NM_001371094.1); c.785C>T, p.Pro262Leu (NM_001371095.1); c.1001C>T, p.Pro334Leu (NM_001374778.1); c.1001C>T (NM_000140.4); short protein forms P334L, P340L, P262L, P301L.
Identifiers: ClinVar variation 375409 (VCV000375409.12), dbSNP rs150146721, ClinGen allele CA8973020.